The following is an entry in ClinVar:

NM_006757.4(TNNT3):c.106+2T>C

Gene: TNNT3 (troponin T3, fast skeletal type; plus strand). Cytogenetic location: 11p15.5.
Variant type: single nucleotide variant.
Coding change: c.106+2T>C on transcript NM_006757.4 (MANE Select); the canonical splice donor site of the intron after coding-DNA position 106, T replaced by C.
Molecular consequence: splice donor variant. On other transcripts: intron variant (14).
Genome position (GRCh38, 1-based): chr11:1,929,145, T>C. VCF-style: chr11-1929145-T-C. GRCh37 (hg19) VCF-style: chr11-1950375-T-C.
Other names: c.83-665T>C (NM_001297646.2, NM_001042780.3, NM_001042782.3 and 2 more transcripts); c.139+2T>C (NM_001367846.1); c.116-665T>C (NM_001363561.2, NM_001367847.1); c.101-665T>C (NM_001042781.3, NM_001367843.1, NM_001367842.1); c.104-665T>C (NM_001367848.1); c.50-665T>C (NM_001367850.1); c.-98-665T>C (NM_001367851.1, NM_001367852.1); c.94+2T>C (NM_001367849.1).
Identifiers: ClinVar variation 4880873 (VCV004880873.2).

ClinVar aggregate classification (germline): Uncertain significance (1 of 4 stars; one submission).

Submission:

Dasa
Classification: Uncertain significance. Last evaluated: 2024-11-26. Review status: criteria provided, single submitter. Criteria: DASA Assertion Criteria. Collection method: clinical testing. Allele origin: germline.
Comment: NM_006757.4(TNNT3):c.106+2T>C affects a canonical splice site and is predicted to disrupt normal RNA splicing. This variant is absent from population databases. The currently available literature and clinical evidence are not sufficient to establish a definitive association between this variant and the reported condition. Therefore, this variant is classified as a variant of uncertain significance.